The following is an entry in ClinVar:

NM_177438.3(DICER1):c.4855G>A (p.Val1619Met)

Gene: DICER1 (dicer 1, ribonuclease III; minus strand). Cytogenetic location: 14q32.13.
Variant type: single nucleotide variant.
Coding change: c.4855G>A on transcript NM_177438.3 (MANE Select); coding-DNA position 4855, G replaced by A.
Protein change: p.Val1619Met; replaces valine 1619 with methionine.
Molecular consequence: missense variant.
Genome position (GRCh38, 1-based): chr14:95,096,065, C>T on the plus strand (G>A on the coding strand, the complement: DICER1 is on the minus strand). VCF-style: chr14-95096065-C-T. GRCh37 (hg19) VCF-style: chr14-95562402-C-T.
Other names: c.4855G>A, p.Val1619Met (NM_001195573.1, NM_001271282.3, NM_001291628.2 and 1 more transcripts); short protein forms V1619M.
Identifiers: ClinVar variation 856472 (VCV000856472.14), dbSNP rs1438625170, ClinGen allele CA390866724.

ClinVar aggregate classification (germline): Uncertain significance. Review status: criteria provided, multiple submitters, no conflicts (2 of 4 stars). 3 submissions from 3 submitters: Uncertain significance (3). Last evaluated 2025-12-13.

Conditions:
Hereditary cancer-predisposing syndrome. Also called: Neoplastic Syndromes, Hereditary; Hereditary neoplastic syndrome; Tumor predisposition; Hereditary Cancer Syndrome. Identifiers: Orphanet 140162, MedGen C0027672, MeSH D009386, MONDO:0015356.
DICER1-related tumor predisposition. Also called: DICER1-related pleuropulmonary blastoma cancer predisposition syndrome; DICER1 syndrome. Identifiers: Orphanet 284343, MedGen C3839822, MONDO:0100216.

Allele frequency attached by ClinVar (database versions not stated): gnomAD exomes below 0.00001.

Submissions (3):

Labcorp Genetics (formerly Invitae), Labcorp
Classification: Uncertain significance for DICER1-related tumor predisposition. Last evaluated: 2025-12-13. Review status: criteria provided, single submitter. Criteria: Invitae Variant Classification Sherloc (09022015). Collection method: clinical testing. Allele origin: germline.
Comment: This sequence change replaces valine, which is neutral and non-polar, with methionine, which is neutral and non-polar, at codon 1619 of the DICER1 protein (p.Val1619Met). This variant is present in population databases (no rsID available, gnomAD 0.0009%). This variant has not been reported in the literature in individuals affected with DICER1-related conditions. ClinVar contains an entry for this variant (Variation ID: 856472). Invitae Evidence Modeling of protein sequence and biophysical properties (such as structural, functional, and spatial information, amino acid conservation, physicochemical variation, residue mobility, and thermodynamic stability) indicates that this missense variant is not expected to disrupt DICER1 protein function with a negative predictive value of 95%. In summary, the available evidence is currently insufficient to determine the role of this variant in disease. Therefore, it has been classified as a Variant of Uncertain Significance.

Dasa
Classification: Uncertain significance for DICER1-related tumor predisposition. Last evaluated: 2025-12-06. Review status: criteria provided, single submitter. Criteria: DASA Assertion Criteria. Collection method: clinical testing. Allele origin: germline.
Comment: NM_177438.3(DICER1):c.4855G>A (p.Val1619Met) is a missense variant that results in the substitution of valine with methionine. This variant is absent from population databases. Computational prediction algorithms are consistent with a benign effect. The currently available literature and clinical evidence are not sufficient to establish a definitive association between this variant and the reported condition. Therefore, this variant is classified as a variant of uncertain significance.

Ambry Genetics
Classification: Uncertain significance for Hereditary cancer-predisposing syndrome. Last evaluated: 2025-04-04. Review status: criteria provided, single submitter. Criteria: Ambry Variant Classification Scheme 2023. Collection method: clinical testing. Allele origin: germline.
Comment: The p.V1619M variant (also known as c.4855G>A), located in coding exon 22 of the DICER1 gene, results from a G to A substitution at nucleotide position 4855. The valine at codon 1619 is replaced by methionine, an amino acid with highly similar properties. This amino acid position is conserved. In addition, this alteration is predicted to be tolerated by in silico analysis. Based on the available evidence, the clinical significance of this variant remains unclear.